The following is an entry in ClinVar:

ClinVar aggregate classification (germline): Conflicting classifications of pathogenicity. Review status: criteria provided, conflicting classifications (1 of 4 stars). 6 submissions from 6 submitters: Pathogenic (3); Likely pathogenic (2); Uncertain significance (1). Last evaluated 2026-02-08.

Conditions:
Neuronal ceroid lipofuscinosis. Also called: Neuronal Ceroid Lipofuscinoses. Identifiers: Orphanet 216, Orphanet 79263, MedGen C0027877, MONDO:0016295. Disease mechanism: loss of function.
Retinal disorder. Also called: Retinopathy; Retinopathies; Retinal Diseases; Retinal disorders. Identifiers: MedGen C0035309, MONDO:0005283, HP:0000488.
Ceroid lipofuscinosis, neuronal, 6B (Kufs type). Also called: Neuronal ceroid lipofuscinosis 4A. Identifiers: Orphanet 700477, MedGen C5561927, MONDO:0008768, OMIM 204300.
Ceroid lipofuscinosis, neuronal, 6A. Also called: Neuronal ceroid lipofuscinosis, Gypsy/Indian early juvenile variant; Neuronal ceroid lipofuscinosis 6; CLN6-Related Neuronal Ceroid-Lipofuscinosis; Neuronal ceroid lipofuscinosis, late infantile, variant. Identifiers: Orphanet 168491, Orphanet 228363, MedGen C5551375, MONDO:0011144, OMIM 601780.

Allele frequency attached by ClinVar (database versions not stated): gnomAD 0.00001; gnomAD exomes 0.00001; TOPMed 0.00001.
gnomAD v4.1: 17 of 1,613,840 alleles (0.0011%); highest among the groups gnomAD compares: Admixed American, 0.0017%; no homozygotes.

Submissions (6):

Genetics Laboratory, Great Ormond Street Hospital NHS Foundation Trust, North Thames Genomic Laboratory Hub
Classification: Likely pathogenic for Retinal disorders. Last evaluated: 2026-02-08. Review status: criteria provided, single submitter. Criteria: ACGS Best Practice Guidelines for Variant Classification in Rare Disease 2024 v1.2. Collection method: clinical testing. Allele origin: germline. Affected: yes.
Comment: PM2_moderate, PP3_supporting, PM5_moderate, PM3_moderate

Natera, Inc.
Classification: Likely pathogenic for Ceroid lipofuscinosis, neuronal, 6A. Last evaluated: 2025-11-04. Review status: criteria provided, single submitter. Criteria: Natera Variant Classification Schema (03/2026). Collection method: clinical testing. Allele origin: germline.
Comment: The c.406C>T variant in CLN6 is a missense variant predicted to cause substitution of arginine to cysteine at amino acid 136. This variant is rare in the general population with a frequency below the threshold expected for the associated phenotype(s). This variant has been observed in one or more individuals affected with the associated recessive disease, as either homozygous or compound heterozygous with a second variant (PMID: 38857616, 19135028). Additionally, this variant has been observed to segregate in affected family members (PMID: 38857616). A different variant at the same position has been determined to be Pathogenic or Likely Pathogenic. Computational prediction algorithms indicate this variant is likely to affect gene or protein function. Given the available evidence, this variant is classified as Likely Pathogenic.

Labcorp Genetics (formerly Invitae), Labcorp
Classification: Pathogenic for Neuronal ceroid lipofuscinosis. Last evaluated: 2024-10-02. Review status: criteria provided, single submitter. Criteria: Invitae Variant Classification Sherloc (09022015). Collection method: clinical testing. Allele origin: germline.
Comment: This sequence change replaces arginine, which is basic and polar, with cysteine, which is neutral and slightly polar, at codon 136 of the CLN6 protein (p.Arg136Cys). This variant is not present in population databases (gnomAD no frequency). This missense change has been observed in individual(s) with neuronal ceroid lipofuscinosis (PMID: 19135028, 35505348; internal data). In at least one individual the data is consistent with being in trans (on the opposite chromosome) from a pathogenic variant. ClinVar contains an entry for this variant (Variation ID: 656898). Invitae Evidence Modeling of protein sequence and biophysical properties (such as structural, functional, and spatial information, amino acid conservation, physicochemical variation, residue mobility, and thermodynamic stability) has been performed for this missense variant. However, the output from this modeling did not meet the statistical confidence thresholds required to predict the impact of this variant on CLN6 protein function. This variant disrupts the p.Arg136 amino acid residue in CLN6. Other variant(s) that disrupt this residue have been determined to be pathogenic (PMID: 6075876, 26539891, 27903347, 30561534). This suggests that this residue is clinically significant, and that variants that disrupt this residue are likely to be disease-causing. For these reasons, this variant has been classified as Pathogenic.

Women's Health and Genetics/Laboratory Corporation of America, LabCorp
Classification: Pathogenic for Neuronal ceroid lipofuscinosis. Last evaluated: 2023-10-10. Review status: criteria provided, single submitter. Criteria: LabCorp Variant Classification Summary - May 2015. Collection method: clinical testing. Allele origin: germline.
Comment: Variant summary: CLN6 c.406C>T (p.Arg136Cys) results in a non-conservative amino acid change in the encoded protein sequence. Five of five in-silico tools predict a damaging effect of the variant on protein function. The variant was absent in 251298 control chromosomes (gnomAD). c.406C>T has been reported in the literature in individuals affected with Neuronal Ceroid-Lipofuscinosis (Batten Disease) (examples: Cannelli_2009, Rus_2022, Refeat_2023). These data indicate that the variant is very likely to be associated with disease. The following publications have been ascertained in the context of this evaluation (PMID: 19135028, 36435927, 35505348). A different variant affecting the same codon (c.407G>A, p.Arg136His) is classified pathogenic internally. This suggests that this residue may be fucntionally important. Three submitters have cited clinical-significance assessments for this variant to ClinVar after 2014 and classified the variant as pathogenic (n=2) and VUS(n=1). Based on the evidence outlined above, the variant was classified as pathogenic.

Mendelics
Classification: Pathogenic for Ceroid lipofuscinosis, neuronal, 6B (Kufs type). Last evaluated: 2022-05-04. Review status: criteria provided, single submitter. Criteria: Mendelics Assertion Criteria 2019. Collection method: clinical testing. Allele origin: germline.

Revvity Omics, Revvity
Classification: Uncertain significance. Last evaluated: 2020-07-30. Review status: criteria provided, single submitter. Criteria: ACMG Guidelines, 2015. Collection method: clinical testing. Allele origin: germline.

Literature cited by the submitters: PubMed 38857616 (cited by Natera, Inc.); PubMed 19135028 (cited by 3 submitters); PubMed 35505348 (cited by Labcorp Genetics (formerly Invitae), Labcorp and Women's Health and Genetics/Laboratory Corporation of America, LabCorp); PubMed 6075876 (cited by Labcorp Genetics (formerly Invitae), Labcorp); PubMed 26539891 (cited by Labcorp Genetics (formerly Invitae), Labcorp); PubMed 27903347 (cited by Labcorp Genetics (formerly Invitae), Labcorp); PubMed 30561534 (cited by Labcorp Genetics (formerly Invitae), Labcorp); PubMed 36435927 (cited by Women's Health and Genetics/Laboratory Corporation of America, LabCorp).

NM_017882.3(CLN6):c.406C>T (p.Arg136Cys)

Gene: CLN6 (CLN6 transmembrane ER protein; minus strand). Cytogenetic location: 15q23.
Variant type: single nucleotide variant.
Coding change: c.406C>T on transcript NM_017882.3 (MANE Select); coding-DNA position 406, C replaced by T.
Protein change: p.Arg136Cys; replaces arginine 136 with cysteine.
Molecular consequence: missense variant.
Genome position (GRCh38, 1-based): chr15:68,211,755, G>A on the plus strand (C>T on the coding strand, the complement: CLN6 is on the minus strand). VCF-style: chr15-68211755-G-A. GRCh37 (hg19) VCF-style: chr15-68504093-G-A.
Other names: short protein forms R136C.
Identifiers: ClinVar variation 656898 (VCV000656898.19), dbSNP rs1012449574, ClinGen allele CA272384618.
Genomic context (GRCh38, chr15:68,211,755, plus strand): 5'-TCTTGATGATGGGGTTCTCACGGACAGACAGGTGGTGCTGGTAGCCACTGAAGAGCAGGC[G>A]GTGGTTGACAGAGTCACCCACCAGGTGGATGCTGGCACCCATGATGAAGATGATGATGCT-3'
Protein context (NP_060352.1, residues 126-146): IHLVGDSVNH[Arg136Cys]LLFSGYQHHL